The following is an entry in ClinVar:

ClinVar aggregate classification (germline): Uncertain significance. Review status: criteria provided, single submitter (1 of 4 stars). 2 submissions from 2 submitters: Uncertain significance (1). 1 of the submissions does not count toward it. Last evaluated 2023-07-17.

Conditions:
Isolated microphthalmia 5. Also called: Posterior Microphthalmia with Retinitis Pigmentosa, Foveoschisis, and Optic Disc Drusen. Identifiers: Orphanet 251279, MedGen C1970236, MONDO:0012605, OMIM 611040.
Retinal dystrophy. Also called: Inherited retinal dystrophy. Identifiers: Orphanet 71862, MedGen C0854723, MeSH D058499, MONDO:0019118, HP:0000556.

Allele frequency attached by ClinVar (database versions not stated): gnomAD exomes 0.00001; TOPMed 0.00001; gnomAD 0.00001; ExAC 0.00002.
gnomAD v4.1: 12 of 1,613,786 alleles (0.00074%); highest among the groups gnomAD compares: Non-Finnish European, 0.001%; no homozygotes.

Submissions (2):

Labcorp Genetics (formerly Invitae), Labcorp
Classification: Uncertain significance for Isolated microphthalmia 5. Last evaluated: 2023-07-17. Review status: criteria provided, single submitter. Criteria: Invitae Variant Classification Sherloc (09022015). Collection method: clinical testing. Allele origin: germline.
Comment: In summary, the available evidence is currently insufficient to determine the role of this variant in disease. Therefore, it has been classified as a Variant of Uncertain Significance. Variants that disrupt the consensus splice site are a relatively common cause of aberrant splicing (PMID: 17576681, 9536098). Algorithms developed to predict the effect of sequence changes on RNA splicing suggest that this variant is not likely to affect RNA splicing. ClinVar contains an entry for this variant (Variation ID: 2186013). This variant has not been reported in the literature in individuals affected with MFRP-related conditions. This variant is present in population databases (rs752497800, gnomAD 0.002%). This sequence change falls in intron 9 of the MFRP gene. It does not directly change the encoded amino acid sequence of the MFRP protein. It affects a nucleotide within the consensus splice site.

Institute of Human Genetics, Univ. Regensburg, Univ. Regensburg
Classification: Uncertain significance for Retinal dystrophy. Last evaluated: 2023-01-01. Review status: no assertion criteria provided. Criteria: ACMG Guidelines, 2015. Collection method: clinical testing. Allele origin: germline. Affected: yes. Not counted in ClinVar's aggregate classification.

Literature cited by the submitters: PubMed 17576681 (cited by Labcorp Genetics (formerly Invitae), Labcorp); PubMed 9536098 (cited by Labcorp Genetics (formerly Invitae), Labcorp).

NM_031433.4(MFRP):c.1124+5A>G

Genes: C1QTNF5 (C1q and TNF related 5; minus strand), MFRP (membrane frizzled-related protein; minus strand). Cytogenetic location: 11q23.3.
Variant type: single nucleotide variant.
Coding change: c.1124+5A>G on transcript NM_031433.4 (MANE Select); 5 bases into the intron after coding-DNA position 1124, A replaced by G.
Molecular consequence: intron variant.
Genome position (GRCh38, 1-based): chr11:119,343,811, T>C on the plus strand (A>G on the coding strand, the complement: MFRP is on the minus strand). VCF-style: chr11-119343811-T-C. GRCh37 (hg19) VCF-style: chr11-119214521-T-C.
Other names: c.-1513+5A>G (NM_015645.5).
Identifiers: ClinVar variation 2186013 (VCV002186013.4), dbSNP rs752497800, ClinGen allele CA6320249.